The following is an entry in ClinVar:

NM_001165963.4(SCN1A):c.5708A>G (p.Tyr1903Cys)

Genes: SCN1A (sodium voltage-gated channel alpha subunit 1; minus strand), LOC102724058 (uncharacterized LOC102724058; plus strand). Cytogenetic location: 2q24.3.
Variant type: single nucleotide variant.
Coding change: c.5708A>G on transcript NM_001165963.4 (MANE Select); coding-DNA position 5708, A replaced by G.
Protein change: p.Tyr1903Cys; replaces tyrosine 1903 with cysteine.
Molecular consequence: missense variant. On other transcripts: non-coding transcript variant (1).
Genome position (GRCh38, 1-based): chr2:165,991,567, T>C on the plus strand (A>G on the coding strand, the complement: SCN1A is on the minus strand). VCF-style: chr2-165991567-T-C. GRCh37 (hg19) VCF-style: chr2-166848077-T-C.
Other names: c.5624A>G, p.Tyr1875Cys (NM_001165964.3, NM_001353957.2, NM_001353958.2); c.5708A>G, p.Tyr1903Cys (NM_001202435.3, NM_001353948.2); c.5675A>G, p.Tyr1892Cys (NM_001353949.2, NM_001353950.2, NM_001353951.2 and 2 more transcripts); c.5672A>G, p.Tyr1891Cys (NM_001353954.2, NM_001353955.2); c.5621A>G, p.Tyr1874Cys (NM_001353960.2); c.3266A>G, p.Tyr1089Cys (NM_001353961.2); short protein forms Y1875C, Y1891C, Y1892C, Y1903C, Y1874C, Y1089C.
Identifiers: ClinVar variation 3713658 (VCV003713658.2).

ClinVar aggregate classification (germline): Uncertain significance (1 of 4 stars; one submission).

Conditions:
Early-infantile DEE. Also called: Ohtahara syndrome; Early infantile epileptic encephalopathy with suppression bursts; Early infantile epileptic encephalopathy. Identifiers: Orphanet 1934, MedGen C0393706, MONDO:0800491.

gnomAD v4.1: 4 of 1,613,840 alleles (0.00025%); highest among the groups gnomAD compares: East Asian, 0.0022%; no homozygotes.

Submission:

Labcorp Genetics (formerly Invitae), Labcorp
Classification: Uncertain significance for Early-infantile DEE. Last evaluated: 2025-01-14. Review status: criteria provided, single submitter. Criteria: Invitae Variant Classification Sherloc (09022015). Collection method: clinical testing. Allele origin: germline.
Comment: This sequence change replaces tyrosine, which is neutral and polar, with cysteine, which is neutral and slightly polar, at codon 1903 of the SCN1A protein (p.Tyr1903Cys). This variant is present in population databases (rs764501421, gnomAD 0.005%). This variant has not been reported in the literature in individuals affected with SCN1A-related conditions. Invitae Evidence Modeling of protein sequence and biophysical properties (such as structural, functional, and spatial information, amino acid conservation, physicochemical variation, residue mobility, and thermodynamic stability) indicates that this missense variant is expected to disrupt SCN1A protein function with a positive predictive value of 95%. In summary, the available evidence is currently insufficient to determine the role of this variant in disease. Therefore, it has been classified as a Variant of Uncertain Significance.